The following is an entry in ClinVar:

NM_001355436.2(SPTB):c.2413C>T (p.Gln805Ter)

Gene: SPTB (spectrin beta, erythrocytic; minus strand). Cytogenetic location: 14q23.3.
Variant type: single nucleotide variant.
Coding change: c.2413C>T on transcript NM_001355436.2 (MANE Select); coding-DNA position 2413, C replaced by T.
Protein change: p.Gln805Ter; replaces glutamine 805 with a stop codon.
Molecular consequence: nonsense.
Genome position (GRCh38, 1-based): chr14:64,793,250, G>A on the plus strand (C>T on the coding strand, the complement: SPTB is on the minus strand). VCF-style: chr14-64793250-G-A. GRCh37 (hg19) VCF-style: chr14-65259968-G-A.
Other names: p.Gln805*; c.2413C>T, p.Gln805Ter (NM_001024858.4, NM_001355437.2); short protein forms Q805*.
Identifiers: ClinVar variation 3381116 (VCV003381116.2).

ClinVar aggregate classification (germline): Pathogenic. Review status: criteria provided, multiple submitters, no conflicts (2 of 4 stars). 2 submissions from 2 submitters: Pathogenic (2). Last evaluated 2024-08-05.

Submissions (2):

Revvity Omics, Revvity
Classification: Pathogenic. Last evaluated: 2024-08-05. Review status: criteria provided, single submitter. Criteria: ACMG Guidelines, 2015. Collection method: clinical testing. Allele origin: germline.

Mayo Clinic Laboratories, Mayo Clinic
Classification: Pathogenic. Last evaluated: 2023-11-10. Review status: criteria provided, single submitter. Criteria: ACMG Guidelines, 2015. Collection method: clinical testing. Allele origin: germline. Observed: 1 variant allele.
Comment: PM2_moderate, PM6, PVS1

Literature cited by the submitters: PubMed 30486584 (cited by Mayo Clinic Laboratories, Mayo Clinic); PubMed 31667183 (cited by Mayo Clinic Laboratories, Mayo Clinic); PubMed 34182956 (cited by Mayo Clinic Laboratories, Mayo Clinic).